The following is an entry in ClinVar:

ClinVar aggregate classification (germline): Uncertain significance (1 of 4 stars; one submission).

Conditions:
Emery-Dreifuss muscular dystrophy 5, autosomal dominant (EDMD5). Also called: EMERY-DREIFUSS MUSCULAR DYSTROPHY 5. Identifiers: Orphanet 261, MedGen C2751805, MONDO:0013072, OMIM 612999.

gnomAD v4.1: 1 of 1,613,916 alleles (0.000062%); highest among the groups gnomAD compares: Non-Finnish European, 0.000085%; no homozygotes.

Submission:

Labcorp Genetics (formerly Invitae), Labcorp
Classification: Uncertain significance for Emery-Dreifuss muscular dystrophy 5, autosomal dominant. Last evaluated: 2024-02-03. Review status: criteria provided, single submitter. Criteria: Invitae Variant Classification Sherloc (09022015). Collection method: clinical testing. Allele origin: germline.
Comment: This sequence change replaces aspartic acid, which is acidic and polar, with tyrosine, which is neutral and polar, at codon 1445 of the SYNE2 protein (p.Asp1445Tyr). This variant is present in population databases (no rsID available, gnomAD 0.0009%). This variant has not been reported in the literature in individuals affected with SYNE2-related conditions. Algorithms developed to predict the effect of missense changes on protein structure and function output the following: SIFT: "Not Available"; PolyPhen-2: "Probably Damaging"; Align-GVGD: "Not Available". The tyrosine amino acid residue is found in multiple mammalian species, which suggests that this missense change does not adversely affect protein function. In summary, the available evidence is currently insufficient to determine the role of this variant in disease. Therefore, it has been classified as a Variant of Uncertain Significance.

NM_182914.3(SYNE2):c.4333G>T (p.Asp1445Tyr)

Gene: SYNE2 (spectrin repeat containing nuclear envelope protein 2; plus strand). Cytogenetic location: 14q23.2.
Variant type: single nucleotide variant.
Coding change: c.4333G>T on transcript NM_182914.3 (MANE Select); coding-DNA position 4333, G replaced by T.
Protein change: p.Asp1445Tyr; replaces aspartic acid 1445 with tyrosine.
Molecular consequence: missense variant.
Genome position (GRCh38, 1-based): chr14:64,003,266, G>T. VCF-style: chr14-64003266-G-T. GRCh37 (hg19) VCF-style: chr14-64469984-G-T.
Other names: c.4333G>T, p.Asp1445Tyr (NM_015180.6); short protein forms D1445Y.
Identifiers: ClinVar variation 3711013 (VCV003711013.2).